The following is an entry in ClinVar:

NM_006270.5(RRAS):c.254C>T (p.Ala85Val)

Gene: RRAS (RAS related; minus strand). Cytogenetic location: 19q13.33.
Variant type: single nucleotide variant.
Coding change: c.254C>T on transcript NM_006270.5 (MANE Select); coding-DNA position 254, C replaced by T.
Protein change: p.Ala85Val; replaces alanine 85 with valine.
Molecular consequence: missense variant.
Genome position (GRCh38, 1-based): chr19:49,636,914, G>A on the plus strand (C>T on the coding strand, the complement: RRAS is on the minus strand). VCF-style: chr19-49636914-G-A. GRCh37 (hg19) VCF-style: chr19-50140171-G-A.
Other names: short protein forms A85V.
Identifiers: ClinVar variation 1792928 (VCV001792928.4), dbSNP rs1437320392, ClinGen allele CA406847555.

ClinVar aggregate classification (germline): Uncertain significance. Review status: criteria provided, multiple submitters, no conflicts (2 of 4 stars). 2 submissions from 2 submitters: Uncertain significance (2). Last evaluated 2025-12-14.

Conditions:
Noonan syndrome (NS). Also called: Noonan's syndrome. Identifiers: Orphanet 648, MedGen C0028326, MeSH D009634, MONDO:0018997. Disease mechanism: gain of function.

Allele frequency attached by ClinVar (database versions not stated): TOPMed 0.00002; gnomAD 0.00002; gnomAD exomes 0.00001.
gnomAD v4.1: 19 of 1,613,038 alleles (0.0012%); highest among the groups gnomAD compares: African/African-American, 0.0027%; no homozygotes.

Submissions (2):

Labcorp Genetics (formerly Invitae), Labcorp
Classification: Uncertain significance for Noonan syndrome. Last evaluated: 2025-12-14. Review status: criteria provided, single submitter. Criteria: Invitae Variant Classification Sherloc (09022015). Collection method: clinical testing. Allele origin: germline.
Comment: This sequence change replaces alanine, which is neutral and non-polar, with valine, which is neutral and non-polar, at codon 85 of the RRAS protein (p.Ala85Val). The frequency data for this variant in the population databases is considered unreliable, as metrics indicate poor data quality at this position in the gnomAD database. This variant has not been reported in the literature in individuals affected with RRAS-related conditions. ClinVar contains an entry for this variant (Variation ID: 1792928). An algorithm developed to predict the effect of missense changes on protein structure and function (PolyPhen-2) suggests that this variant is likely to be disruptive. In summary, the available evidence is currently insufficient to determine the role of this variant in disease. Therefore, it has been classified as a Variant of Uncertain Significance.

Ambry Genetics
Classification: Uncertain significance. Last evaluated: 2022-07-06. Review status: criteria provided, single submitter. Criteria: Ambry Variant Classification Scheme 2023. Collection method: clinical testing. Allele origin: germline.
Comment: The p.A85V variant (also known as c.254C>T), located in coding exon 3 of the RRAS gene, results from a C to T substitution at nucleotide position 254. The alanine at codon 85 is replaced by valine, an amino acid with similar properties. This amino acid position is conserved. In addition, this alteration is predicted to be deleterious by in silico analysis. Since supporting evidence is limited at this time, the clinical significance of this alteration remains unclear.